The following is an entry in ClinVar:

NM_005428.4(VAV1):c.54G>C (p.Pro18=)

Gene: VAV1 (vav guanine nucleotide exchange factor 1; plus strand). Cytogenetic location: 19p13.3.
Variant type: single nucleotide variant.
Coding change: c.54G>C on transcript NM_005428.4 (MANE Select); coding-DNA position 54, G replaced by C.
Protein change: p.Pro18=; no amino-acid change (proline 18 retained).
Molecular consequence: synonymous variant.
Genome position (GRCh38, 1-based): chr19:6,772,861, G>C. VCF-style: chr19-6772861-G-C. GRCh37 (hg19) VCF-style: chr19-6772872-G-C.
Other names: c.54G>C, p.Pro18= (NM_001258206.2, NM_001258207.2).
Identifiers: ClinVar variation 403600 (VCV000403600.16), dbSNP rs45448796, ClinGen allele CA9132097.

ClinVar aggregate classification (germline): Benign. Review status: criteria provided, multiple submitters, no conflicts (2 of 4 stars). 4 submissions from 4 submitters: Benign (3). 1 of the submissions does not count toward it. Last evaluated 2026-02-03.

Conditions:
VAV1-related disorder. Also called: VAV1-related condition.

Allele frequency attached by ClinVar (database versions not stated): 1000 Genomes Project 30x 0.10509; TOPMed 0.09990; ESP Exome Variant Server 0.11156; 1000 Genomes Project 0.10763.
gnomAD v4.1: 201,656 of 1,613,996 alleles (12%); highest among the groups gnomAD compares: South Asian, 20%; 13,901 homozygotes.

Submissions (4):

Labcorp Genetics (formerly Invitae), Labcorp
Classification: Benign. Last evaluated: 2026-02-03. Review status: criteria provided, single submitter. Criteria: Invitae Variant Classification Sherloc (09022015). Collection method: clinical testing. Allele origin: germline.

Laboratory for Molecular Medicine, Mass General Brigham Personalized Medicine
Classification: Benign. Last evaluated: 2016-03-29. Review status: criteria provided, single submitter. Criteria: LMM Criteria. Collection method: clinical testing. Allele origin: germline.
Comment: Variant identified in a genome or exome case(s) and assessed due to predicted null impact of the variant or pathogenic assertions in the literature or databases. Disclaimer: This variant has not undergone full assessment. The following are preliminary notes: Frequency

Breakthrough Genomics
Classification: Benign. Review status: criteria provided, single submitter. Criteria: ACMG Guidelines, 2015. Collection method: not provided. Allele origin: germline. Inheritance: Unknown mechanism. Affected: yes.

PreventionGenetics, part of Exact Sciences
Classification: Benign for VAV1-related condition. Last evaluated: 2019-05-08. Review status: no assertion criteria provided. Collection method: clinical testing. Allele origin: germline. Not counted in ClinVar's aggregate classification.
Comment: This variant is classified as benign based on ACMG/AMP sequence variant interpretation guidelines (Richards et al. 2015 PMID: 25741868, with internal and published modifications).